The following is an entry in ClinVar:

ClinVar aggregate classification (germline): Uncertain significance (1 of 4 stars; one submission).

Submission:

Mayo Clinic Laboratories, Mayo Clinic
Classification: Uncertain significance. Last evaluated: 2025-02-12. Review status: criteria provided, single submitter. Criteria: ACMG Guidelines, 2015. Collection method: clinical testing. Allele origin: germline. Observed: 1 variant allele.
Comment: PM2_supporting

NM_139027.6(ADAMTS13):c.3550G>T (p.Asp1184Tyr)

Gene: ADAMTS13 (ADAM metallopeptidase with thrombospondin type 1 motif 13; plus strand). Cytogenetic location: 9q34.2.
Variant type: single nucleotide variant.
Coding change: c.3550G>T on transcript NM_139027.6 (MANE Select); coding-DNA position 3550, G replaced by T.
Protein change: p.Asp1184Tyr; replaces aspartic acid 1184 with tyrosine.
Molecular consequence: missense variant. On other transcripts: non-coding transcript variant (1).
Genome position (GRCh38, 1-based): chr9:133,456,545, G>T. VCF-style: chr9-133456545-G-T. GRCh37 (hg19) VCF-style: chr9-136321667-G-T.
Other names: p.Asp1240Tyr; c.3718G>T, p.Asp1240Tyr (NM_139025.5); c.3457G>T, p.Asp1153Tyr (NM_139026.6); short protein forms D1240Y, D1184Y, D1153Y.
Identifiers: ClinVar variation 4541510 (VCV004541510.1).